The following is an entry in ClinVar:

NM_000070.3(CAPN3):c.756G>A (p.Met252Ile)

Gene: CAPN3 (calpain 3; plus strand). Cytogenetic location: 15q15.1.
Variant type: single nucleotide variant.
Coding change: c.756G>A on transcript NM_000070.3 (MANE Select); coding-DNA position 756, G replaced by A.
Protein change: p.Met252Ile; replaces methionine 252 with isoleucine.
Molecular consequence: missense variant.
Genome position (GRCh38, 1-based): chr15:42,389,051, G>A. VCF-style: chr15-42389051-G-A. GRCh37 (hg19) VCF-style: chr15-42681249-G-A.
Other names: c.756G>A, p.Met252Ile (NM_024344.2, NM_173087.2); short protein forms M252I.
Identifiers: ClinVar variation 4689237 (VCV004689237.1).

ClinVar aggregate classification (germline): Uncertain significance (1 of 4 stars; one submission).

Submission:

Women's Health and Genetics/Laboratory Corporation of America, LabCorp
Classification: Uncertain significance. Last evaluated: 2026-01-20. Review status: criteria provided, single submitter. Criteria: LabCorp Variant Classification Summary - May 2015. Collection method: clinical testing. Allele origin: germline.
Comment: Variant summary: CAPN3 c.756G>A (p.Met252Ile) results in a conservative amino acid change in the encoded protein sequence. Algorithms developed to predict the effect of missense changes on protein structure and function are either unavailable or do not agree on the potential impact of this missense change. The variant was absent in 251404 control chromosomes. The available data on variant occurrences in the general population are insufficient to allow any conclusion about variant significance. To our knowledge, no occurrence of c.756G>A in individuals affected with CAPN3-related conditions and no experimental evidence demonstrating its impact on protein function have been reported. No submitters have cited clinical-significance assessments for this variant to ClinVar. Based on the evidence outlined above, the variant was classified as uncertain significance.